The following is an entry in ClinVar:

NM_000535.7(PMS2):c.466A>C (p.Thr156Pro)

Gene: PMS2 (PMS1 homolog 2, mismatch repair system component; minus strand). Cytogenetic location: 7p22.1.
Variant type: single nucleotide variant.
Coding change: c.466A>C on transcript NM_000535.7 (MANE Select); coding-DNA position 466, A replaced by C.
Protein change: p.Thr156Pro; replaces threonine 156 with proline.
Molecular consequence: missense variant. On other transcripts: 5 prime UTR variant (2), non-coding transcript variant (1).
Genome position (GRCh38, 1-based): chr7:6,002,524, T>G on the plus strand (A>C on the coding strand, the complement: PMS2 is on the minus strand). VCF-style: chr7-6002524-T-G. GRCh37 (hg19) VCF-style: chr7-6042155-T-G.
Other names: c.61A>C, p.Thr21Pro (NM_001322003.2, NM_001322004.2, NM_001322005.2 and 3 more transcripts); c.466A>C, p.Thr156Pro (NM_001322006.2, NM_001322014.2); c.148A>C, p.Thr50Pro (NM_001322007.2, NM_001322008.2); c.-419A>C (NM_001322011.2, NM_001322012.2); c.157A>C, p.Thr53Pro (NM_001322015.2); short protein forms T156P, T21P, T53P, T50P.
Identifiers: ClinVar variation 525830 (VCV000525830.10), dbSNP rs786204206, ClinGen allele CA366744297.

ClinVar aggregate classification (germline): Uncertain significance. Review status: criteria provided, multiple submitters, no conflicts (2 of 4 stars). 3 submissions from 3 submitters: Uncertain significance (3). Last evaluated 2025-05-05.

Conditions:
Hereditary nonpolyposis colorectal neoplasms. Identifiers: MedGen C0009405, MeSH D003123.
Hereditary cancer-predisposing syndrome. Also called: Neoplastic Syndromes, Hereditary; Tumor predisposition; Hereditary Cancer Syndrome; Hereditary neoplastic syndrome. Identifiers: Orphanet 140162, MedGen C0027672, MeSH D009386, MONDO:0015356.

Submissions (3):

Spanish MMR Variant Interpretation Working Group
Classification: Uncertain significance for Hereditary cancer-predisposing syndrome. Last evaluated: 2025-05-05. Review status: criteria provided, single submitter. Criteria: ClinGen CRC ACMG Specifications PMS2 V1.0.0. Collection method: clinical testing. Allele origin: germline. Affected: yes.
Comment: The PMS2 variant c.466A>C replaces threonine with proline at codon 156 of the PMS2 protein, p.(Thr156Pro). The threonine residue is highly conserved, and there is a small physicochemical difference between threonine and proline. This variant is absent from the gnomAD v4.1.0 database (PM2_P). The SpliceAI algorithm predicts no significant impact on splicing. It is a missense variant with a MAPP+PolyPhen-2 prior probability for pathogenicity in the range >0.68 to ≤0.81 (PP3). There is no other described missense variant classified as Class 4/5 by InSiGHT located at the same residue. To our current knowledge, no functional assays have been reported for this variant. Based on the available evidence, this variant is classified as a Variant of Uncertain Significance (Class 3).

Color Diagnostics, LLC DBA Color Health
Classification: Uncertain significance for Hereditary cancer-predisposing syndrome. Last evaluated: 2022-08-08. Review status: criteria provided, single submitter. Criteria: ACMG Guidelines, 2015. Collection method: clinical testing. Allele origin: germline.
Comment: This missense variant replaces threonine with proline at codon 156 of the PMS2 protein. Computational prediction suggests that this variant may have deleterious impact on protein structure and function (internally defined REVEL score threshold >= 0.7, PMID: 27666373). To our knowledge, functional studies have not been reported for this variant. This variant has been reported in an individual affected with colorectal cancer that exhibited loss of PMS2 protein by immunohistochemistry analyses (PMID: 23837913). This variant has not been identified in the general population by the Genome Aggregation Database (gnomAD). The available evidence is insufficient to determine the role of this variant in disease conclusively. Therefore, this variant is classified as a Variant of Uncertain Significance.

Labcorp Genetics (formerly Invitae), Labcorp
Classification: Uncertain significance for Hereditary nonpolyposis colorectal neoplasms. Last evaluated: 2017-10-31. Review status: criteria provided, single submitter. Criteria: Invitae Variant Classification Sherloc (09022015). Collection method: clinical testing. Allele origin: germline.
Comment: In summary, the available evidence is currently insufficient to determine the role of this variant in disease. Therefore, it has been classified as a Variant of Uncertain Significance. Algorithms developed to predict the effect of missense changes on protein structure and function do not agree on the potential impact of this missense change (SIFT: "Deleterious"; PolyPhen-2: "Probably Damaging"; Align-GVGD: "Class C0"). This variant has been reported in an individual affected with lynch syndrome (PMID: 23837913). This variant is not present in population databases (ExAC no frequency). This sequence change replaces threonine with proline at codon 156 of the PMS2 protein (p.Thr156Pro). The threonine residue is highly conserved and there is a small physicochemical difference between threonine and proline.

Literature cited by the submitters: PubMed 23837913 (cited by Color Diagnostics, LLC DBA Color Health and Labcorp Genetics (formerly Invitae), Labcorp).